The following is an entry in ClinVar:

ClinVar aggregate classification (germline): Uncertain significance (1 of 4 stars; one submission).

Conditions:
Singleton-Merten syndrome 1 (SGMRT1). Also called: Widened medullary cavities of bone, aortic calcification, abnormal dentition, and muscular weakness; Syndrome of widened medullary cavities of the metacarpals and phalanges, aortic calcification and abnormal dentition. Identifiers: Orphanet 85191, MedGen C4225427, MONDO:0024535, OMIM 182250.
Aicardi-Goutieres syndrome 7 (AGS7). Identifiers: Orphanet 51, MedGen C3888244, MONDO:0014367, OMIM 615846.

gnomAD v4.1: 1 of 1,602,808 alleles (0.000062%); no homozygotes.

Submission:

Labcorp Genetics (formerly Invitae), Labcorp
Classification: Uncertain significance for Aicardi-Goutieres syndrome 7; Singleton-Merten syndrome 1. Last evaluated: 2024-12-23. Review status: criteria provided, single submitter. Criteria: Invitae Variant Classification Sherloc (09022015). Collection method: clinical testing. Allele origin: germline.
Comment: This sequence change replaces glutamic acid, which is acidic and polar, with aspartic acid, which is acidic and polar, at codon 592 of the IFIH1 protein (p.Glu592Asp). This variant is not present in population databases (gnomAD no frequency). This variant has not been reported in the literature in individuals affected with IFIH1-related conditions. An algorithm developed to predict the effect of missense changes on protein structure and function outputs the following: PolyPhen-2: "Benign". The aspartic acid amino acid residue is found in multiple mammalian species, which suggests that this missense change does not adversely affect protein function. In summary, the available evidence is currently insufficient to determine the role of this variant in disease. Therefore, it has been classified as a Variant of Uncertain Significance.

NM_022168.4(IFIH1):c.1776A>C (p.Glu592Asp)

Gene: IFIH1 (interferon induced with helicase C domain 1; minus strand). Cytogenetic location: 2q24.2.
Variant type: single nucleotide variant.
Coding change: c.1776A>C on transcript NM_022168.4 (MANE Select); coding-DNA position 1776, A replaced by C.
Protein change: p.Glu592Asp; replaces glutamic acid 592 with aspartic acid.
Molecular consequence: missense variant.
Genome position (GRCh38, 1-based): chr2:162,277,683, T>G on the plus strand (A>C on the coding strand, the complement: IFIH1 is on the minus strand). VCF-style: chr2-162277683-T-G. GRCh37 (hg19) VCF-style: chr2-163134193-T-G.
Other names: short protein forms E592D.
Identifiers: ClinVar variation 3753626 (VCV003753626.2).
Genomic context (GRCh38, chr2:162,277,683, plus strand): 5'-TTGTAGGGCCTCATTGTACTTCCTCAAATGTTCTGCACAAACACGTTCTTTGCGATTTCC[T>G]TCTTTTGCAGCTGTGAAAAAATATATTATGTAAGTGAAATAATAAGCATATAAACCCCCT-3'
Protein context (NP_071451.2, residues 582-602): AIQMEKKAAK[Glu592Asp]GNRKERVCAE